The following is an entry in ClinVar:

ClinVar aggregate classification (germline): Uncertain significance. Review status: criteria provided, multiple submitters, no conflicts (2 of 4 stars). 2 submissions from 2 submitters: Uncertain significance (2). Last evaluated 2025-08-12.

Conditions:
Inborn genetic diseases. Identifiers: MedGen C0950123, MeSH D030342.
Seizures, benign familial infantile, 3 (BFIS3). Also called: CONVULSIONS, BENIGN FAMILIAL INFANTILE, 3; Familial neonatal seizures. Identifiers: Orphanet 140927, Orphanet 306, MedGen C1843140, MONDO:0011904, OMIM 607745.
Developmental and epileptic encephalopathy, 11 (DEE11). Also called: Early infantile epileptic encephalopathy 11. Identifiers: Orphanet 1934, MedGen C3150987, MONDO:0013388, OMIM 613721.

Allele frequency attached by ClinVar (database versions not stated): gnomAD exomes below 0.00001; ExAC 0.00001; TOPMed 0.00002.
gnomAD v4.1: 8 of 1,614,052 alleles (0.0005%); highest among the groups gnomAD compares: East Asian, 0.0022%; no homozygotes.

Submissions (2):

Ambry Genetics
Classification: Uncertain significance for Inborn genetic diseases. Last evaluated: 2025-08-12. Review status: criteria provided, single submitter. Criteria: Ambry Variant Classification Scheme 2023. Collection method: clinical testing. Allele origin: germline.

Labcorp Genetics (formerly Invitae), Labcorp
Classification: Uncertain significance for Seizures, benign familial infantile, 3; Developmental and epileptic encephalopathy, 11. Last evaluated: 2023-03-21. Review status: criteria provided, single submitter. Criteria: Invitae Variant Classification Sherloc (09022015). Collection method: clinical testing. Allele origin: germline.
Comment: This variant has not been reported in the literature in individuals affected with SCN2A-related conditions. This sequence change replaces aspartic acid, which is acidic and polar, with asparagine, which is neutral and polar, at codon 1808 of the SCN2A protein (p.Asp1808Asn). This variant is present in population databases (rs767541516, gnomAD 0.006%). Advanced modeling of protein sequence and biophysical properties (such as structural, functional, and spatial information, amino acid conservation, physicochemical variation, residue mobility, and thermodynamic stability) performed at Invitae indicates that this missense variant is not expected to disrupt SCN2A protein function. In summary, the available evidence is currently insufficient to determine the role of this variant in disease. Therefore, it has been classified as a Variant of Uncertain Significance.

NM_001040142.2(SCN2A):c.5422G>A (p.Asp1808Asn)

Gene: SCN2A (sodium voltage-gated channel alpha subunit 2; plus strand). Cytogenetic location: 2q24.3.
Variant type: single nucleotide variant.
Coding change: c.5422G>A on transcript NM_001040142.2 (MANE Select); coding-DNA position 5422, G replaced by A.
Protein change: p.Asp1808Asn; replaces aspartic acid 1808 with asparagine.
Molecular consequence: missense variant.
Genome position (GRCh38, 1-based): chr2:165,389,228, G>A. VCF-style: chr2-165389228-G-A. GRCh37 (hg19) VCF-style: chr2-166245738-G-A.
Other names: c.5422G>A (NM_021007.2); c.5422G>A, p.Asp1808Asn (NM_001040143.2, NM_001371246.1, NM_001371247.1 and 1 more transcripts); short protein forms D1808N.
Identifiers: ClinVar variation 2943495 (VCV002943495.4), dbSNP rs767541516, ClinGen allele CA1940390.
Genomic context (GRCh38, chr2:165,389,228, plus strand): 5'-GAGCCTCTGAGTGAGGATGACTTTGAGATGTTCTATGAGGTTTGGGAGAAGTTTGATCCC[G>A]ATGCGACCCAGTTTATAGAGTTTGCCAAACTTTCTGATTTTGCAGATGCCCTGGATCCTC-3'
Protein context (NP_001035232.1, residues 1798-1818): FYEVWEKFDP[Asp1808Asn]ATQFIEFAKL